The following is an entry in ClinVar:

ClinVar aggregate classification (germline): Pathogenic. Review status: criteria provided, multiple submitters, no conflicts (2 of 4 stars). 10 submissions from 10 submitters: Pathogenic (8). 2 of the submissions do not count toward it. Last evaluated 2025-11-18.

Conditions:
SLC17A5-related disorder. Also called: SLC17A5-related condition; SLC17A5-related disorders.
Salla disease (SD). Also called: Sialuria, Finnish type; N-acetylneuraminic acid (NANA) storage disease (NSD); Infantile sialic acid storage disorder (ISSD); Less Severe FSASD (Salla Disease). Identifiers: Orphanet 309334, Orphanet 834, MedGen C1096903, MONDO:0011449, OMIM 604369.

Allele frequency attached by ClinVar (database versions not stated): ExAC 0.00004; gnomAD exomes 0.00005 and 0.00006; TOPMed 0.00006; gnomAD 0.00007 and 0.00008; ESP Exome Variant Server 0.00008.

Submissions (10):

Natera, Inc.
Classification: Pathogenic for Salla disease. Last evaluated: 2025-11-18. Review status: criteria provided, single submitter. Criteria: Natera Variant Classification Schema (03/2026). Collection method: clinical testing. Allele origin: germline.
Comment: The c.1138_1139delGT variant in SLC17A5 is a frameshift variant predicted to shift the reading frame beginning at codon 380 and leads to a stop codon 8 codons downstream. This variant is expected to result in nonsense mediated decay, truncation, or a dysfunctional protein product. This variant is rare in the general population with a frequency below the threshold expected for the associated phenotype(s). This variant has been observed in one or more individuals affected with the associated recessive disease, as either homozygous or compound heterozygous with a second variant (PMID: 10947946). Additionally, this variant has been observed to segregate in affected family members (PMID: 10947946). Given the available evidence, this variant is classified as Pathogenic.

Labcorp Genetics (formerly Invitae), Labcorp
Classification: Pathogenic for Salla disease. Last evaluated: 2025-04-28. Review status: criteria provided, single submitter. Criteria: Invitae Variant Classification Sherloc (09022015). Collection method: clinical testing. Allele origin: germline.
Comment: This sequence change creates a premature translational stop signal (p.Val380Serfs*8) in the SLC17A5 gene. It is expected to result in an absent or disrupted protein product. Loss-of-function variants in SLC17A5 are known to be pathogenic (PMID: 10581036, 10947946, 15172001). This variant is present in population databases (rs386833988, gnomAD 0.01%). This premature translational stop signal has been observed in individuals with sialic acid storage disorder (PMID: 10947946, 12637289). ClinVar contains an entry for this variant (Variation ID: 56552). For these reasons, this variant has been classified as Pathogenic.

Blueprint Genetics
Classification: Pathogenic for SLC17A5-related disorders. Last evaluated: 2024-07-02. Review status: criteria provided, single submitter. Criteria: ACMG Guidelines, 2015. Collection method: clinical testing. Allele origin: germline. Affected: yes. Observed: 5 variant alleles.

Baylor Genetics
Classification: Pathogenic for Salla disease. Last evaluated: 2024-03-14. Review status: criteria provided, single submitter. Criteria: ACMG Guidelines, 2015. Collection method: clinical testing. Allele origin: unknown.

Revvity Omics, Revvity
Classification: Pathogenic. Last evaluated: 2022-01-06. Review status: criteria provided, single submitter. Criteria: ACMG Guidelines, 2015. Collection method: clinical testing. Allele origin: germline.

Genome-Nilou Lab
Classification: Pathogenic for Salla disease. Last evaluated: 2021-09-05. Review status: criteria provided, single submitter. Criteria: ACMG Guidelines, 2015. Collection method: clinical testing. Allele origin: germline. Affected: no.

New York Genome Center
Classification: Pathogenic for Salla disease. Last evaluated: 2021-03-05. Review status: criteria provided, single submitter. Criteria: NYGC Assertion Criteria 2020. Collection method: clinical testing. Allele origin: inherited. Observed: 1 heterozygote. Study: CSER-NYCKidSeq.

Women's Health and Genetics/Laboratory Corporation of America, LabCorp
Classification: Pathogenic for Salla disease. Last evaluated: 2018-09-14. Review status: criteria provided, single submitter. Criteria: LabCorp Variant Classification Summary - May 2015. Collection method: clinical testing. Allele origin: germline.
Comment: Variant summary: SLC17A5 c.1138_1139delGT (p.Val380SerfsX8) results in a premature termination codon, predicted to cause a truncation of the encoded protein or absence of the protein due to nonsense mediated decay, which are commonly known mechanisms for disease. The variant allele was found at a frequency of 5.4e-05 in 277202 control chromosomes (gnomAD). This frequency is not higher than expected for a pathogenic variant in SLC17A5 causing Sialic Acid Storage Disorder (5.4e-05 vs 0.0024), allowing no conclusion about variant significance. c.1138_1139delGT has been reported in the literature in several individuals affected with Sialic Acid Storage Disorder (Aula_2000, Froissart_2005, Parazzini_2003). These data indicate that the variant is likely to be associated with disease. At least one publication reports free sialic acid levels in a homozygous fetus, which were significantly higher than the normal range for the gestational age (Froissart_2005). A ClinVar submission from a clinical diagnostic laboratory (evaluation after 2014) cites the variant as likely pathogenic. Based on the evidence outlined above, the variant was classified as pathogenic.

Counsyl
Classification: Likely pathogenic for Salla disease. Last evaluated: 2015-01-08. Review status: no assertion criteria provided. Collection method: literature only. Allele origin: unknown. Inheritance: Autosomal recessive inheritance. Not counted in ClinVar's aggregate classification.

Juha Muilu Group; Institute for Molecular Medicine Finland (FIMM)
Classification: Likely pathogenic for Salla disease. Review status: no assertion criteria provided. Collection method: not provided. Allele origin: unknown. Not counted in ClinVar's aggregate classification.
Comment: FinDis database variant: This variant was not found or characterized by our laboratory, data were collected from public sources: see reference
ClinVar note: Converted during submission from probable-pathogenic to Likely pathogenic.

Literature cited by the submitters: PubMed 10947946 (cited by 4 submitters); PubMed 10581036 (cited by Labcorp Genetics (formerly Invitae), Labcorp); PubMed 15172001 (cited by Labcorp Genetics (formerly Invitae), Labcorp); PubMed 12637289 (cited by 3 submitters); PubMed 15805149 (cited by Women's Health and Genetics/Laboratory Corporation of America, LabCorp).

NM_012434.5(SLC17A5):c.1138_1139del (p.Val380fs)

Gene: SLC17A5 (solute carrier family 17 member 5; minus strand). Cytogenetic location: 6q13.
Variant type: Deletion.
Coding change: c.1138_1139del on transcript NM_012434.5 (MANE Select); coding-DNA positions 1138 to 1139, 2 bases deleted (GT; older notation c.1138_1139delGT).
Protein change: p.Val380fs; shifts the reading frame from valine 380.
Molecular consequence: frameshift variant.
Genome position (GRCh38, 1-based): chr6:73,610,520-73,610,521, AC deleted on the plus strand (GT on the coding strand, the reverse complement: SLC17A5 is on the minus strand). VCF-style (leftmost placement, unchanged base first): chr6-73610519-TAC-T. GRCh37 (hg19) VCF-style: chr6-74320242-TAC-T.
Other names: c.1138_1139delGT (NM_012434.5); short protein forms V380fs.
Identifiers: ClinVar variation 56552 (VCV000056552.24), dbSNP rs386833988, ClinGen allele CA263920.
Genomic context (GRCh38, chr6:73,610,519, plus strand): 5'-TGTTGATATAGTTAGGAAAGCAACGGCCAAAGAATAATCACAGCCAATGAAGCCAGCAGC[TAC>T]CAGGAATACTGCAGGTCCAATCATTCCTGGAGTTAAAAAGTTATAAAAGGGAAAAAACAC-3'